The following is an entry in ClinVar:

NM_017654.4(SAMD9):c.992A>C (p.Lys331Thr)

Gene: SAMD9 (sterile alpha motif domain containing 9; minus strand). Cytogenetic location: 7q21.2.
Variant type: single nucleotide variant.
Coding change: c.992A>C on transcript NM_017654.4 (MANE Select); coding-DNA position 992, A replaced by C.
Protein change: p.Lys331Thr; replaces lysine 331 with threonine.
Molecular consequence: missense variant.
Genome position (GRCh38, 1-based): chr7:93,105,106, T>G on the plus strand (A>C on the coding strand, the complement: SAMD9 is on the minus strand). VCF-style: chr7-93105106-T-G. GRCh37 (hg19) VCF-style: chr7-92734419-T-G.
Other names: c.992A>C, p.Lys331Thr (NM_001193307.2); short protein forms K331T.
Identifiers: ClinVar variation 4629995 (VCV004629995.1).

ClinVar aggregate classification (germline): Uncertain significance (1 of 4 stars; one submission).

Conditions:
Inborn genetic diseases. Identifiers: MedGen C0950123, MeSH D030342.

Submission:

Ambry Genetics
Classification: Uncertain significance for Inborn genetic diseases. Last evaluated: 2025-12-14. Review status: criteria provided, single submitter. Criteria: Ambry Variant Classification Scheme 2023. Collection method: clinical testing. Allele origin: germline.
Comment: The p.K331T variant (also known as c.992A>C), located in coding exon 1 of the SAMD9 gene, results from an A to C substitution at nucleotide position 992. The lysine at codon 331 is replaced by threonine, an amino acid with similar properties. This amino acid position is conserved. In addition, this alteration is predicted to be tolerated by in silico analysis. Based on the available evidence, the clinical significance of this variant remains unclear.